The following is an entry in ClinVar:

NM_014915.3(ANKRD26):c.4430A>G (p.Gln1477Arg)

Gene: ANKRD26 (ankyrin repeat domain 26; minus strand). Cytogenetic location: 10p12.1.
Variant type: single nucleotide variant.
Coding change: c.4430A>G on transcript NM_014915.3 (MANE Select); coding-DNA position 4430, A replaced by G.
Protein change: p.Gln1477Arg; replaces glutamine 1477 with arginine.
Molecular consequence: missense variant.
Genome position (GRCh38, 1-based): chr10:27,017,578, T>C on the plus strand (A>G on the coding strand, the complement: ANKRD26 is on the minus strand). VCF-style: chr10-27017578-T-C. GRCh37 (hg19) VCF-style: chr10-27306507-T-C.
Other names: c.4427A>G, p.Gln1476Arg (NM_001256053.2); short protein forms Q1476R, Q1477R.
Identifiers: ClinVar variation 4842337 (VCV004842337.1).
Genomic context (GRCh38, chr10:27,017,578, plus strand): 5'-ACTTCTTTTAATTTTTCTGCTATTTCCTGTCTTGCTCTTTCTTCAATCTCCTGTTTATAC[T>C]GTTTGACTTGACCAAGTTCTACCATATTCCTTTCTATATGACTTCTCAGGTTGATCACTT-3'
Protein context (NP_055730.2, residues 1467-1487): RNMVELGQVK[Gln1477Arg]YKQEIEERAR

ClinVar aggregate classification (germline): Uncertain significance (1 of 4 stars; one submission).

Conditions:
Inborn genetic diseases. Identifiers: MedGen C0950123, MeSH D030342.

gnomAD v4.1: 1 of 1,613,738 alleles (0.000062%); no homozygotes.

Submission:

Ambry Genetics
Classification: Uncertain significance for Inborn genetic diseases. Last evaluated: 2025-12-21. Review status: criteria provided, single submitter. Criteria: Ambry Variant Classification Scheme 2023. Collection method: clinical testing. Allele origin: germline.
Comment: The p.Q1477R variant (also known as c.4430A>G), located in coding exon 30 of the ANKRD26 gene, results from an A to G substitution at nucleotide position 4430. The glutamine at codon 1477 is replaced by arginine, an amino acid with highly similar properties. This amino acid position is conserved. In addition, this alteration is predicted to be tolerated by in silico analysis. Based on the available evidence, the clinical significance of this variant remains unclear.